The following is an entry in ClinVar:

ClinVar aggregate classification (germline): Conflicting classifications of pathogenicity. Review status: criteria provided, conflicting classifications (1 of 4 stars). 4 submissions from 4 submitters: Uncertain significance (1); Benign (2). 1 of the submissions does not count toward it. Last evaluated 2025-12-16.

Conditions:
PODXL-related disorder. Also called: PODXL-related condition.
Inborn genetic diseases. Identifiers: MedGen C0950123, MeSH D030342.

Allele frequency attached by ClinVar (database versions not stated): gnomAD exomes 0.00026 and 0.00067; ExAC 0.00087; ESP Exome Variant Server 0.00223; gnomAD 0.00260 and 0.00278; TOPMed 0.00293; 1000 Genomes Project 0.00319; 1000 Genomes Project 30x 0.00422.

Submissions (4):

Labcorp Genetics (formerly Invitae), Labcorp
Classification: Benign. Last evaluated: 2025-12-16. Review status: criteria provided, single submitter. Criteria: Invitae Variant Classification Sherloc (09022015). Collection method: clinical testing. Allele origin: germline.

Ambry Genetics
Classification: Uncertain significance for Inborn genetic diseases. Last evaluated: 2025-03-17. Review status: criteria provided, single submitter. Criteria: Ambry Variant Classification Scheme 2023. Collection method: clinical testing. Allele origin: germline.

Breakthrough Genomics
Classification: Benign. Review status: criteria provided, single submitter. Criteria: ACMG Guidelines, 2015. Collection method: not provided. Allele origin: germline. Inheritance: Unknown mechanism. Affected: yes.

PreventionGenetics, part of Exact Sciences
Classification: Benign for PODXL-related condition. Last evaluated: 2019-10-28. Review status: no assertion criteria provided. Collection method: clinical testing. Allele origin: germline. Not counted in ClinVar's aggregate classification.
Comment: This variant is classified as benign based on ACMG/AMP sequence variant interpretation guidelines (Richards et al. 2015 PMID: 25741868, with internal and published modifications).

NM_001018111.3(PODXL):c.164T>G (p.Ile55Ser)

Gene: PODXL (podocalyxin like; minus strand). Cytogenetic location: 7q32.3.
Variant type: single nucleotide variant.
Coding change: c.164T>G on transcript NM_001018111.3 (MANE Select); coding-DNA position 164, T replaced by G.
Protein change: p.Ile55Ser; replaces isoleucine 55 with serine.
Molecular consequence: missense variant.
Genome position (GRCh38, 1-based): chr7:131,511,370, A>C on the plus strand (T>G on the coding strand, the complement: PODXL is on the minus strand). VCF-style: chr7-131511370-A-C. GRCh37 (hg19) VCF-style: chr7-131196129-A-C.
Other names: c.164T>G, p.Ile55Ser (NM_005397.4); c.164T>G (NM_001018111.2); short protein forms I55S.
Identifiers: ClinVar variation 736059 (VCV000736059.14), dbSNP rs115466882, ClinGen allele CA4488756.
Genomic context (GRCh38, chr7:131,511,370, plus strand): 5'-AAGATTTCGTTGGCCTTGGAAGTGGGGACTGTGCTCTGCTGGGCTGTATCTGTAGCCATG[A>C]TGGTGACACTGGATGCTGGAGTCGGTGCTGTTTTGTTAGATGAGTCCGTAGTAGTCTGGG-3'
Protein context (NP_001018121.1, residues 45-65): TAPTPASSVT[Ile55Ser]MATDTAQQST